The following is an entry in ClinVar:

NM_003966.3(SEMA5A):c.2928G>C (p.Leu976=)

Gene: SEMA5A (semaphorin 5A; minus strand). Cytogenetic location: 5p15.31.
Variant type: single nucleotide variant.
Coding change: c.2928G>C on transcript NM_003966.3 (MANE Select); coding-DNA position 2928, G replaced by C.
Protein change: p.Leu976=; no amino-acid change (leucine 976 retained).
Molecular consequence: synonymous variant.
Genome position (GRCh38, 1-based): chr5:9,044,550, C>G on the plus strand (G>C on the coding strand, the complement: SEMA5A is on the minus strand). VCF-style: chr5-9044550-C-G. GRCh37 (hg19) VCF-style: chr5-9044662-C-G.
Identifiers: ClinVar variation 91956 (VCV000091956.2), dbSNP rs386352358, ClinGen allele CA232238.

ClinVar aggregate classification (germline): Uncertain significance (0 of 4 stars; one submission).

gnomAD v4.1: 1 of 1,613,994 alleles (0.000062%); highest among the groups gnomAD compares: East Asian, 0.0022%; no homozygotes.

Submission:

Richard Lifton Laboratory, Yale University School of Medicine
Classification: Uncertain significance. Review status: no assertion criteria provided. Collection method: not provided. Allele origin: somatic.
Comment: SEMA5A
ClinVar note: Converted during submission from unknown to Uncertain significance.